The following is an entry in ClinVar:

ClinVar aggregate classification (germline): Likely pathogenic (1 of 4 stars; one submission).

Conditions:
Citrullinemia. Identifiers: Orphanet 187, MedGen C0175683, MONDO:0015991.

Submission:

Natera, Inc.
Classification: Likely pathogenic for Citrullinemia. Last evaluated: 2025-10-10. Review status: criteria provided, single submitter. Criteria: Natera Variant Classification Schema (03/2026). Collection method: clinical testing. Allele origin: germline.
Comment: The c.66del variant in SLC25A13 is a frameshift variant predicted to shift the reading frame beginning at codon 23 and leads to a stop codon 23 codons downstream. This variant is expected to result in nonsense mediated decay, truncation, or a dysfunctional protein product. This variant is rare in the general population with a frequency below the threshold expected for the associated phenotype(s). Given the available evidence, this variant is classified as Likely Pathogenic.

NM_014251.3(SLC25A13):c.66del (p.Lys23fs)

Gene: SLC25A13 (solute carrier family 25 member 13; minus strand). Cytogenetic location: 7q21.3.
Variant type: Deletion.
Coding change: c.66del on transcript NM_014251.3 (MANE Select); coding-DNA position 66, one base deleted (G; older notation c.66delG).
Protein change: p.Lys23fs; shifts the reading frame from lysine 23.
Molecular consequence: frameshift variant. On other transcripts: non-coding transcript variant (1).
Genome position (GRCh38, 1-based): chr7:96,296,901, C deleted on the plus strand (G on the coding strand, the reverse complement: SLC25A13 is on the minus strand). VCF-style (leftmost placement, unchanged base first): chr7-96296900-TC-T. GRCh37 (hg19) VCF-style: chr7-95926212-TC-T.
Other names: c.66del, p.Lys23fs (NM_001160210.2); short protein forms K23fs.
Identifiers: ClinVar variation 4815643 (VCV004815643.1).